The following is an entry in ClinVar:

NM_001843.4(CNTN1):c.401-190G>T

Gene: CNTN1 (contactin 1; plus strand). Cytogenetic location: 12q12.
Variant type: single nucleotide variant.
Coding change: c.401-190G>T on transcript NM_001843.4 (MANE Select); 190 bases into the intron before coding-DNA position 401, G replaced by T.
Molecular consequence: intron variant.
Genome position (GRCh38, 1-based): chr12:40,924,367, G>T. VCF-style: chr12-40924367-G-T. GRCh37 (hg19) VCF-style: chr12-41318169-G-T.
Other names: c.401-190G>T (NM_001256063.2, NM_001256064.2); c.368-190G>T (NM_175038.2).
Identifiers: ClinVar variation 679921 (VCV000679921.2), dbSNP rs3816251, ClinGen allele CA13619450.

ClinVar aggregate classification (germline): Benign. Review status: criteria provided, multiple submitters, no conflicts (2 of 4 stars). 2 submissions from 2 submitters: Benign (2). Last evaluated 2018-06-14.

Allele frequency attached by ClinVar (database versions not stated): 1000 Genomes Project 30x 0.50687; TOPMed 0.51662; gnomAD 0.52600; 1000 Genomes Project 0.49800.
gnomAD v4.1: 77,819 of 151,794 alleles (51%); highest among the groups gnomAD compares: African/African-American, 65%; 20,496 homozygotes.

Submissions (2):

GeneDx
Classification: Benign. Last evaluated: 2018-06-14. Review status: criteria provided, single submitter. Criteria: GeneDx Variant Classification (06012015). Collection method: clinical testing. Allele origin: germline. Affected: yes.
Comment: This variant is considered likely benign or benign based on one or more of the following criteria: it is a conservative change, it occurs at a poorly conserved position in the protein, it is predicted to be benign by multiple in silico algorithms, and/or has population frequency not consistent with disease.

Breakthrough Genomics
Classification: Benign. Review status: criteria provided, single submitter. Criteria: ACMG Guidelines, 2015. Collection method: not provided. Allele origin: germline. Inheritance: Autosomal recessive inheritance. Affected: yes.